The following is an entry in ClinVar:

ClinVar aggregate classification (germline): Uncertain significance (1 of 4 stars; one submission).

Conditions:
Cardiovascular phenotype. Identifiers: MedGen CN230736.

Submission:

Ambry Genetics
Classification: Uncertain significance for Cardiovascular phenotype. Last evaluated: 2026-06-14. Review status: criteria provided, single submitter. Criteria: Ambry Variant Classification Scheme 2023. Collection method: clinical testing. Allele origin: germline.
Comment: The p.N520H variant (also known as c.1558A>C), located in coding exon 11 of the ABCG8 gene, results from an A to C substitution at nucleotide position 1558. The asparagine at codon 520 is replaced by histidine, an amino acid with similar properties. This amino acid position is conserved. In addition, this alteration is predicted to be tolerated by in silico analysis. Based on the available evidence, the clinical significance of this variant remains unclear.

NM_022437.3(ABCG8):c.1558A>C (p.Asn520His)

Gene: ABCG8 (ATP binding cassette subfamily G member 8; plus strand). Cytogenetic location: 2p21.
Variant type: single nucleotide variant.
Coding change: c.1558A>C on transcript NM_022437.3 (MANE Select); coding-DNA position 1558, A replaced by C.
Protein change: p.Asn520His; replaces asparagine 520 with histidine.
Molecular consequence: missense variant.
Genome position (GRCh38, 1-based): chr2:43,875,215, A>C. VCF-style: chr2-43875215-A-C. GRCh37 (hg19) VCF-style: chr2-44102354-A-C.
Other names: c.1555A>C, p.Asn519His (NM_001357321.2); short protein forms N519H, N520H.
Identifiers: ClinVar variation 4864019 (VCV004864019.1).
Genomic context (GRCh38, chr2:43,875,215, plus strand): 5'-GAGCTTCCGGAGCACTGTGCCTACATCATCATCTACGGGATGCCCACCTACTGGCTGGCC[A>C]ACCTGAGGCCAGGCCTCCAGCCCTTCCTGCTGCACTTCCTGCTGGTGTGGCTGGTGGTCT-3'
Protein context (NP_071882.1, residues 510-530): IYGMPTYWLA[Asn520His]LRPGLQPFLL